The following is an entry in ClinVar:

NM_001134407.3(GRIN2A):c.*1385C>A

Gene: GRIN2A (glutamate ionotropic receptor NMDA type subunit 2A; minus strand). Cytogenetic location: 16p13.2.
Variant type: single nucleotide variant.
Coding change: c.*1385C>A on transcript NM_001134407.3 (MANE Select); 1385 bases downstream of the stop codon, C replaced by A.
Molecular consequence: 3 prime UTR variant.
Genome position (GRCh38, 1-based): chr16:9,761,764, G>T on the plus strand (C>A on the coding strand, the complement: GRIN2A is on the minus strand). VCF-style: chr16-9761764-G-T. GRCh37 (hg19) VCF-style: chr16-9855621-G-T.
Other names: c.*1385C>A (NM_000833.5); c.*1591C>A (NM_001134408.2).
Identifiers: ClinVar variation 321582 (VCV000321582.5), dbSNP rs113843373, ClinGen allele CA10648492.

ClinVar aggregate classification (germline): Benign (1 of 4 stars; one submission).

Conditions:
Landau-Kleffner syndrome (FESD). Also called: EPILEPSY, FOCAL, WITH SPEECH DISORDER AND WITH OR WITHOUT MENTAL RETARDATION; APHASIA, ACQUIRED, WITH EPILEPSY. Identifiers: Orphanet 1945, Orphanet 725, Orphanet 98818, MedGen C0282512, MONDO:0009509, OMIM 245570.

Allele frequency attached by ClinVar (database versions not stated): TOPMed 0.02966; gnomAD 0.02700 and 0.02837; gnomAD exomes 0.01438; 1000 Genomes Project 0.02875; 1000 Genomes Project 30x 0.02967.
gnomAD v4.1: 4,973 of 212,660 alleles (2.3%); highest among the groups gnomAD compares: African/African-American, 6.8%; 103 homozygotes.

Submission:

Illumina Laboratory Services, Illumina
Classification: Benign for Landau-Kleffner syndrome. Last evaluated: 2018-01-12. Review status: criteria provided, single submitter. Criteria: ICSL Variant Classification Criteria 13 December 2019. Collection method: clinical testing. Allele origin: germline.
Comment: This variant was observed in the ICSL laboratory as part of a predisposition screen in an ostensibly healthy population. It had not been previously curated by ICSL or reported in the Human Gene Mutation Database (HGMD: prior to June 1st, 2018), and was therefore a candidate for classification through an automated scoring system. Utilizing variant allele frequency, disease prevalence and penetrance estimates, and inheritance mode, an automated score was calculated to assess if this variant is too frequent to cause the disease. Based on the score and internal cut-off values, a variant classified as benign is not then subjected to further curation. The score for this variant resulted in a classification of benign for this disease.